The following is an entry in ClinVar:

NM_001035.3(RYR2):c.4229T>C (p.Leu1410Pro)

Gene: RYR2 (ryanodine receptor 2; plus strand). Cytogenetic location: 1q43.
Variant type: single nucleotide variant.
Coding change: c.4229T>C on transcript NM_001035.3 (MANE Select); coding-DNA position 4229, T replaced by C.
Protein change: p.Leu1410Pro; replaces leucine 1410 with proline.
Molecular consequence: missense variant.
Genome position (GRCh38, 1-based): chr1:237,591,807, T>C. VCF-style: chr1-237591807-T-C. GRCh37 (hg19) VCF-style: chr1-237755107-T-C.
Other names: p.L1410P:CTT>CCT; c.4229T>C, p.Leu1410Pro (LRG_402t1); short protein forms L1410P.
Identifiers: ClinVar variation 201244 (VCV000201244.8), dbSNP rs794728734, ClinGen allele CA009497.

ClinVar aggregate classification (germline): Uncertain significance. Review status: criteria provided, multiple submitters, no conflicts (2 of 4 stars). 3 submissions from 3 submitters: Uncertain significance (3). Last evaluated 2022-06-01.

Conditions:
Arrhythmogenic right ventricular dysplasia 2. Identifiers: MedGen C1832931.
Catecholaminergic polymorphic ventricular tachycardia 1. Also called: RYR2-Related Catecholaminergic Polymorphic Ventricular Tachycardia; VENTRICULAR TACHYCARDIA, CATECHOLAMINERGIC POLYMORPHIC, 1, WITH OR WITHOUT ATRIAL DYSFUNCTION AND/OR DILATED CARDIOMYOPATHY; VENTRICULAR TACHYCARDIA, STRESS-INDUCED POLYMORPHIC 1. Identifiers: Orphanet 3286, MedGen C1631597, MONDO:0011484, OMIM 604772.
Ventricular arrhythmias due to cardiac ryanodine receptor calcium release deficiency syndrome. Also called: Autosomal dominant cardiac arrhythmia (Kuhn). Identifiers: MedGen C5542154, MONDO:0020745, OMIM 115000.

Submissions (3):

Labcorp Genetics (formerly Invitae), Labcorp
Classification: Uncertain significance for Catecholaminergic polymorphic ventricular tachycardia 1. Last evaluated: 2022-06-01. Review status: criteria provided, single submitter. Criteria: Invitae Variant Classification Sherloc (09022015). Collection method: clinical testing. Allele origin: germline.
Comment: This sequence change replaces leucine, which is neutral and non-polar, with proline, which is neutral and non-polar, at codon 1410 of the RYR2 protein (p.Leu1410Pro). This variant is not present in population databases (gnomAD no frequency). This variant has not been reported in the literature in individuals affected with RYR2-related conditions. ClinVar contains an entry for this variant (Variation ID: 201244). Advanced modeling of protein sequence and biophysical properties (such as structural, functional, and spatial information, amino acid conservation, physicochemical variation, residue mobility, and thermodynamic stability) performed at Invitae indicates that this missense variant is not expected to disrupt RYR2 protein function. In summary, the available evidence is currently insufficient to determine the role of this variant in disease. Therefore, it has been classified as a Variant of Uncertain Significance.

Fulgent Genetics
Classification: Uncertain significance for Ventricular arrhythmias due to cardiac ryanodine receptor calcium release deficiency syndrome; Catecholaminergic polymorphic ventricular tachycardia 1. Last evaluated: 2021-11-10. Review status: criteria provided, single submitter. Criteria: ACMG Guidelines, 2015. Collection method: clinical testing. Allele origin: unknown.

GeneDx
Classification: Uncertain significance. Last evaluated: 2012-08-13. Review status: criteria provided, single submitter. Criteria: GeneDx Variant Classification (06012015). Collection method: clinical testing. Allele origin: germline. Affected: yes.
Comment: p.Leu1410Pro (CTT>CCT):c.4229 T>C in exon 32 of the RYR2 gene (NM_001035.2). The Leu1410Pro variant in the RYR2 gene has not been reported as a disease-causing mutation or as a benign polymorphism to our knowledge. Leu1410Pro results in a semi-conservative amino acid substitution of one non-polar residue for another at a position that is conserved across species. However, in silico analysis predicts Leu1410Pro is benign to the protein structure/function. Similarly, Leu1410Pro does not occur in any of the hotspot regions of the RYR2 gene, and no mutations in surrounding residues have been reported in association with CPVT, indicating this region of the protein may be tolerant of change. Nevertheless, the NHLBI ESP Exome Variant Server reports Leu1410Pro was not observed in approximately 6,000 samples from individuals of European and African American backgrounds, indicating it is not a common benign variant in these populations. With the clinical and molecular information available at this time, we cannot definitively determine if Leu1410Pro is a disease-causing mutation or a rare benign variant. Catecholaminergic Polymorphic Ventricular Tachycardia (CPVT) is characterized by syncope, typically beginning in the first decade of life, which may be triggered by physical activity or intense emotion. In patients with CPVT, stress-induced release of catecholamines causes a dysfunction of the calcium-ion channel in the myocytes (De La Fuente et al., 2008; Napolitano C et al., 2012; Priori S et al., 2002). CPVT is primarily caused by autosomal dominant mutations in the RYR2 and KCNJ2 genes. Less commonly, CPVT is caused by autosomal recessive mutations in the CASQ2 gene (Napolitano C et al., 2012). Approximately 50% of patients with autosomal dominant CPVT have been reported to have a mutation in the RYR2 gene, while mutations in the RYR2 gene associated with ARVC are rare (McNally E et al., 2009; Napolitano C et al., 2012). The variant is found in CPVT panel(s).